The following is an entry in ClinVar:

ClinVar aggregate classification (germline): Pathogenic (1 of 4 stars; one submission).

Conditions:
Ataxia-telangiectasia syndrome (AT). Also called: Cerebello-oculocutaneous telangiectasia; Immunodeficiency with ataxia telangiectasia; Ataxia-telangiectasia, complementation group E; Ataxia-telangiectasia, complementation group D; AT, COMPLEMENTATION GROUP C; ATAXIA-TELANGIECTASIA, COMPLEMENTATION GROUP A. Identifiers: Orphanet 100, MedGen C0004135, MONDO:0008840, OMIM 208900.

Submission:

Labcorp Genetics (formerly Invitae), Labcorp
Classification: Pathogenic for Ataxia-telangiectasia syndrome. Last evaluated: 2018-04-05. Review status: criteria provided, single submitter. Criteria: Invitae Variant Classification Sherloc (09022015). Collection method: clinical testing. Allele origin: germline.
Comment: This variant has not been reported in the literature in individuals with ATM-related disease. This sequence change creates a premature translational stop signal (p.Ile2683Thrfs*4) in the ATM gene. It is expected to result in an absent or disrupted protein product. This variant is not present in population databases (ExAC no frequency). Loss-of-function variants in ATM are known to be pathogenic (PMID: 23807571, 25614872). For these reasons, this variant has been classified as Pathogenic.

Literature cited by the submitters: PubMed 23807571; PubMed 25614872.

NM_000051.4(ATM):c.8048_8049del (p.Ile2683fs)

Genes: ATM (ATM serine/threonine kinase; plus strand), C11orf65 (chromosome 11 open reading frame 65; minus strand). Cytogenetic location: 11q22.3.
Variant type: Microsatellite.
Coding change: c.8048_8049del on transcript NM_000051.4 (MANE Select); coding-DNA positions 8048 to 8049, 2 bases deleted (TA; older notation c.8048_8049delTA).
Protein change: p.Ile2683fs; shifts the reading frame from isoleucine 2683.
Molecular consequence: frameshift variant. On other transcripts: intron variant (2).
Genome position (GRCh38, 1-based): chr11:108,335,006-108,335,007, TA deleted; deleting any 2 consecutive bases within chr11:108,335,004-108,335,007 gives the same sequence; the c. name uses the placement nearest the transcript's 3' end. VCF-style (leftmost placement, unchanged base first): chr11-108335003-CTA-C. GRCh37 (hg19) VCF-style: chr11-108205730-CTA-C.
Other names: c.8048_8049del, p.Ile2683fs (NM_001351834.2); c.641-25934_641-25933del (NM_001330368.2); c.*38+215_*38+216del (NM_001351110.2); c.8048_8049delTA (NM_000051.3); short protein forms I2683fs.
Identifiers: ClinVar variation 580281 (VCV000580281.8), dbSNP rs1565540673, ClinGen allele CA891842778.
Genomic context (GRCh38, chr11:108,335,003, plus strand): 5'-ATCAATCATGTTTATACTTTTATTAGGTGGACCACACAGGAGAATATGGAAATCTGGTGA[CTA>C]TACAGTCATTTAAAGCAGAATTTCGCTTAGCAGGAGGTGTAAATTTACCAAAAATAATAG-3'